The following is an entry in ClinVar:

ClinVar aggregate classification (germline): Uncertain significance (1 of 4 stars; one submission).

gnomAD v4.1: 2 of 1,612,856 alleles (0.00012%); highest among the groups gnomAD compares: African/African-American, 0.0013%; no homozygotes.

Submission:

Ambry Genetics
Classification: Uncertain significance. Last evaluated: 2025-09-01. Review status: criteria provided, single submitter. Criteria: Ambry Variant Classification Scheme 2023. Collection method: clinical testing. Allele origin: germline.
Comment: The p.S458C variant (also known as c.1373C>G), located in coding exon 8 of the ATRIP gene, results from a C to G substitution at nucleotide position 1373. The serine at codon 458 is replaced by cysteine, an amino acid with dissimilar properties. This amino acid position is conserved. In addition, this alteration is predicted to be tolerated by in silico analysis. Based on the available evidence, the clinical significance of this variant remains unclear.

NM_130384.3(ATRIP):c.1373C>G (p.Ser458Cys)

Genes: ATRIP (ATR interacting protein; plus strand), ATRIP-TREX1 (ATRIP-TREX1 readthrough; plus strand). Cytogenetic location: 3p21.31.
Variant type: single nucleotide variant.
Coding change: c.1373C>G on transcript NM_130384.3 (MANE Select); coding-DNA position 1373, C replaced by G.
Protein change: p.Ser458Cys; replaces serine 458 with cysteine.
Molecular consequence: missense variant. On other transcripts: non-coding transcript variant (1).
Genome position (GRCh38, 1-based): chr3:48,460,427, C>G. VCF-style: chr3-48460427-C-G. GRCh37 (hg19) VCF-style: chr3-48501826-C-G.
Other names: c.992C>G, p.Ser331Cys (NM_001271022.2); c.1094C>G, p.Ser365Cys (NM_001271023.2); c.1373C>G, p.Ser458Cys (NM_032166.4); short protein forms S365C, S331C, S458C.
Identifiers: ClinVar variation 4182735 (VCV004182735.1).